The following is an entry in ClinVar:

NM_017780.4(CHD7):c.211C>G (p.His71Asp)

Gene: CHD7 (chromodomain helicase DNA binding protein 7; plus strand). Cytogenetic location: 8q12.2.
Variant type: single nucleotide variant.
Coding change: c.211C>G on transcript NM_017780.4 (MANE Select); coding-DNA position 211, C replaced by G.
Protein change: p.His71Asp; replaces histidine 71 with aspartic acid.
Molecular consequence: missense variant.
Genome position (GRCh38, 1-based): chr8:60,741,643, C>G. VCF-style: chr8-60741643-C-G. GRCh37 (hg19) VCF-style: chr8-61654202-C-G.
Other names: c.211C>G, p.His71Asp (NM_001316690.1); short protein forms H71D.
Identifiers: ClinVar variation 4085236 (VCV004085236.8).

ClinVar aggregate classification (germline): Uncertain significance (1 of 4 stars; one submission).

Submission:

CeGaT Center for Human Genetics Tuebingen
Classification: Uncertain significance. Last evaluated: 2025-06-01. Review status: criteria provided, single submitter. Criteria: CeGaT Center For Human Genetics Tuebingen Variant Classification Criteria Version 2. Collection method: clinical testing. Allele origin: germline. Affected: yes. Observed: 1 variant allele.
Comment: CHD7: PM2